The following is an entry in ClinVar:

ClinVar aggregate classification (germline): Uncertain significance (1 of 4 stars; one submission).

Submission:

Labcorp Genetics (formerly Invitae), Labcorp
Classification: Uncertain significance. Last evaluated: 2018-07-16. Review status: criteria provided, single submitter. Criteria: Invitae Variant Classification Sherloc (09022015). Collection method: clinical testing. Allele origin: germline.
Comment: In summary, the available evidence is currently insufficient to determine the role of this variant in disease. Therefore, it has been classified as a Variant of Uncertain Significance. Algorithms developed to predict the effect of missense changes on protein structure and function are either unavailable or do not agree on the potential impact of this missense change (SIFT: "Deleterious"; PolyPhen-2: "Probably Damaging"; Align-GVGD: "Class C0"). This variant has not been reported in the literature in individuals with MUT-related disease. This variant is not present in population databases (ExAC no frequency). This sequence change replaces alanine with threonine at codon 477 of the MUT protein (p.Ala477Thr). The alanine residue is highly conserved and there is a small physicochemical difference between alanine and threonine.

NM_000255.4(MMUT):c.1429G>A (p.Ala477Thr)

Gene: MMUT (methylmalonyl-CoA mutase; minus strand). Cytogenetic location: 6p12.3.
Variant type: single nucleotide variant.
Coding change: c.1429G>A on transcript NM_000255.4 (MANE Select); coding-DNA position 1429, G replaced by A.
Protein change: p.Ala477Thr; replaces alanine 477 with threonine.
Molecular consequence: missense variant.
Genome position (GRCh38, 1-based): chr6:49,448,831, C>T on the plus strand (G>A on the coding strand, the complement: MMUT is on the minus strand). VCF-style: chr6-49448831-C-T. GRCh37 (hg19) VCF-style: chr6-49416544-C-T.
Other names: short protein forms A477T.
Identifiers: ClinVar variation 653910 (VCV000653910.9), dbSNP rs1581828004, ClinGen allele CA364397919.